The following is an entry in ClinVar:

NM_058216.3(RAD51C):c.234A>C (p.Thr78=)

Gene: RAD51C (RAD51 paralog C; plus strand). Cytogenetic location: 17q22.
Variant type: single nucleotide variant.
Coding change: c.234A>C on transcript NM_058216.3 (MANE Select); coding-DNA position 234, A replaced by C.
Protein change: p.Thr78=; no amino-acid change (threonine 78 retained).
Molecular consequence: synonymous variant. On other transcripts: non-coding transcript variant (2).
Genome position (GRCh38, 1-based): chr17:58,695,019, A>C. VCF-style: chr17-58695019-A-C. GRCh37 (hg19) VCF-style: chr17-56772380-A-C.
Other names: c.234A>C, p.Thr78= (NM_002876.4).
Identifiers: ClinVar variation 233812 (VCV000233812.16), dbSNP rs730881929, ClinGen allele CA10580728.

ClinVar aggregate classification (germline): Benign/Likely benign. Review status: criteria provided, multiple submitters, no conflicts (2 of 4 stars). 3 submissions from 3 submitters: Benign (1); Likely benign (2). Last evaluated 2025-02-14.

Conditions:
Hereditary cancer-predisposing syndrome. Also called: Tumor predisposition; Hereditary Cancer Syndrome; Hereditary neoplastic syndrome; Neoplastic Syndromes, Hereditary. Identifiers: Orphanet 140162, MedGen C0027672, MeSH D009386, MONDO:0015356.
Breast-ovarian cancer, familial, susceptibility to, 3. Also called: RAD51C-Related Breast/Ovarian Cancer. Identifiers: Orphanet 145, MedGen C3150659, MONDO:0013253, OMIM 613399.
Fanconi anemia complementation group O. Also called: RAD51C-Related Fanconi Anemia. Identifiers: Orphanet 84, MedGen C3150653, MONDO:0013248, OMIM 613390.

gnomAD v4.1: 2 of 1,614,136 alleles (0.00012%); highest among the groups gnomAD compares: Non-Finnish European, 0.00017%; no homozygotes.

Submissions (3):

Myriad Genetics, Inc.
Classification: Benign for Breast-ovarian cancer, familial, susceptibility to, 3. Last evaluated: 2025-02-14. Review status: criteria provided, single submitter. Criteria: Myriad Autosomal Dominant, Autosomal Recessive and X-Linked Classification Criteria (2023). Collection method: clinical testing. Allele origin: unknown.
Comment: This variant is considered benign. This variant is a silent/synonymous amino acid change and it is not expected to impact splicing.

Labcorp Genetics (formerly Invitae), Labcorp
Classification: Likely benign for Fanconi anemia complementation group O. Last evaluated: 2024-04-01. Review status: criteria provided, single submitter. Criteria: Invitae Variant Classification Sherloc (09022015). Collection method: clinical testing. Allele origin: germline.

Ambry Genetics
Classification: Likely benign for Hereditary cancer-predisposing syndrome. Last evaluated: 2015-09-08. Review status: criteria provided, single submitter. Criteria: Ambry Variant Classification Scheme 2023. Collection method: clinical testing. Allele origin: germline.